The following is an entry in ClinVar:

NM_001356.5(DDX3X):c.1033G>T (p.Val345Leu)

Gene: DDX3X (DEAD-box helicase 3 X-linked; plus strand). Cytogenetic location: Xp11.4.
Variant type: single nucleotide variant.
Coding change: c.1033G>T on transcript NM_001356.5 (MANE Select); coding-DNA position 1033, G replaced by T.
Protein change: p.Val345Leu; replaces valine 345 with leucine.
Molecular consequence: missense variant. On other transcripts: non-coding transcript variant (1).
Genome position (GRCh38, 1-based): chrX:41,345,187, G>T. VCF-style: chrX-41345187-G-T. GRCh37 (hg19) VCF-style: chrX-41204440-G-T.
Other names: c.1033G>T, p.Val345Leu (NM_001193416.3); c.985G>T, p.Val329Leu (NM_001193417.3); c.475G>T, p.Val159Leu (NM_001363819.1); short protein forms V159L, V329L, V345L.
Identifiers: ClinVar variation 4530066 (VCV004530066.1).

ClinVar aggregate classification (somatic clinical impact): Tier I - Strong (1 of 4 stars; one submission).

Conditions:
Medulloblastoma WNT activated. Identifiers: MedGen C4331965, MONDO:0850196.

Submission:

Institute for Genomic Medicine (IGM) Clinical Laboratory, Nationwide Children's Hospital
Classification: Tier I - Strong for Medulloblastoma WNT activated. Assertion type: diagnostic. Clinical significance: supports diagnosis. Last evaluated: 2023-02-14. Review status: criteria provided, single submitter. Criteria: AMP/ASCO/CAP Guidelines, 2017. Collection method: clinical testing. Allele origin: somatic. Affected: yes.
Comment: Variant has Tier I (strong) clinical significance as a diagnostic inclusion criterion in medulloblastoma WNT activated, based on the following evidence: 1) Appears in one or more well-established professional guidelines (e.g., World Health Organization [WHO]; National Comprehensive Cancer Network [NCCN]) as providing diagnostic, prognostic, or therapeutic information (PMID: 34185076). 2) Information in the literature supports potential biologic effect of variant (PMIDs: 27180681, 32135084). 3) Diagnostic for a specific tumor type/classification based on well-powered studies with expert-level consensus (Evidence Level B; PMIDs: 22832583, 22722829, 28726821, 22820256).

Literature cited by the submitters: PubMed 34185076; PubMed 27180681; PubMed 32135084; PubMed 22832583; PubMed 22722829; PubMed 28726821; PubMed 22820256.